The following is an entry in ClinVar:

ClinVar aggregate classification (germline): Uncertain significance (1 of 4 stars; one submission).

Submission:

GeneDx
Classification: Uncertain significance. Last evaluated: 2023-08-08. Review status: criteria provided, single submitter. Criteria: GeneDx Variant Classification Process June 2021. Collection method: clinical testing. Allele origin: germline.
Comment: Not observed at significant frequency in large population cohorts (gnomAD); In silico analysis supports a deleterious effect on splicing; Has not been previously published as pathogenic or benign to our knowledge

NM_001083961.2(WDR62):c.562-3C>G

Gene: WDR62 (WD repeat domain 62; plus strand). Cytogenetic location: 19q13.12.
Variant type: single nucleotide variant.
Coding change: c.562-3C>G on transcript NM_001083961.2 (MANE Select); 3 bases into the intron before coding-DNA position 562, C replaced by G.
Molecular consequence: intron variant.
Genome position (GRCh38, 1-based): chr19:36,067,303, C>G. VCF-style: chr19-36067303-C-G. GRCh37 (hg19) VCF-style: chr19-36558205-C-G.
Other names: c.562-3C>G (NM_173636.5).
Identifiers: ClinVar variation 1703347 (VCV001703347.3), dbSNP rs1599759857, ClinGen allele CA2333953855.